The following is an entry in ClinVar:

ClinVar aggregate classification (germline): Uncertain significance. Review status: criteria provided, multiple submitters, no conflicts (2 of 4 stars). 2 submissions from 2 submitters: Uncertain significance (2). Last evaluated 2025-08-29.

Conditions:
Familial thoracic aortic aneurysm and aortic dissection (TAAD). Also called: Thoracic aortic aneurysms and dissections. Identifiers: Orphanet 91387, MedGen C4707243, MONDO:0019625.
Shprintzen-Goldberg syndrome (SGS). Also called: SHPRINTZEN-GOLDBERG CRANIOSYNOSTOSIS SYNDROME; CRANIOSYNOSTOSIS WITH ARACHNODACTYLY AND ABDOMINAL HERNIAS; Marfanoid disorder with craniosynostosis type 1; Marfanoid craniosynostosis syndrome; Shprintzen-Goldberg marfanoid syndrome. Identifiers: Orphanet 2462, MedGen C1321551, MONDO:0008426, OMIM 182212.

Submissions (2):

Labcorp Genetics (formerly Invitae), Labcorp
Classification: Uncertain significance for Shprintzen-Goldberg syndrome. Last evaluated: 2025-08-29. Review status: criteria provided, single submitter. Criteria: Invitae Variant Classification Sherloc (09022015). Collection method: clinical testing. Allele origin: germline.
Comment: This sequence change replaces proline, which is neutral and non-polar, with arginine, which is basic and polar, at codon 322 of the SKI protein (p.Pro322Arg). This variant is not present in population databases (gnomAD no frequency). This variant has not been reported in the literature in individuals affected with SKI-related conditions. ClinVar contains an entry for this variant (Variation ID: 2586933). Invitae Evidence Modeling of protein sequence and biophysical properties (such as structural, functional, and spatial information, amino acid conservation, physicochemical variation, residue mobility, and thermodynamic stability) indicates that this missense variant is not expected to disrupt SKI protein function with a negative predictive value of 95%. In summary, the available evidence is currently insufficient to determine the role of this variant in disease. Therefore, it has been classified as a Variant of Uncertain Significance.

Ambry Genetics
Classification: Uncertain significance for Familial thoracic aortic aneurysm and aortic dissection. Last evaluated: 2023-08-11. Review status: criteria provided, single submitter. Criteria: Ambry Variant Classification Scheme 2023. Collection method: clinical testing. Allele origin: germline.
Comment: The p.P322R variant (also known as c.965C>G), located in coding exon 1 of the SKI gene, results from a C to G substitution at nucleotide position 965. The proline at codon 322 is replaced by arginine, an amino acid with dissimilar properties. This amino acid position is conserved. In addition, the in silico prediction for this alteration is inconclusive. Since supporting evidence is limited at this time, the clinical significance of this alteration remains unclear.

NM_003036.4(SKI):c.965C>G (p.Pro322Arg)

Gene: SKI (SKI proto-oncogene; plus strand). Cytogenetic location: 1p36.33.
Variant type: single nucleotide variant.
Coding change: c.965C>G on transcript NM_003036.4 (MANE Select); coding-DNA position 965, C replaced by G.
Protein change: p.Pro322Arg; replaces proline 322 with arginine.
Molecular consequence: missense variant.
Genome position (GRCh38, 1-based): chr1:2,229,731, C>G. VCF-style: chr1-2229731-C-G. GRCh37 (hg19) VCF-style: chr1-2161170-C-G.
Other names: short protein forms P322R.
Identifiers: ClinVar variation 2586933 (VCV002586933.3), dbSNP rs1488369817, ClinGen allele CA337956634.